The following continues an entry in ClinVar:

NM_000142.5(FGFR3):c.1620C>A (p.Asn540Lys)

Gene: FGFR3. ClinVar aggregate classification (germline): Pathogenic. Pathogenic (33).

Literature cited by the submitters, continued: PubMed 26633542 (cited by Genomenon, Inc); PubMed 27271921 (cited by Genomenon, Inc); PubMed 27485793 (cited by Genomenon, Inc); PubMed 26350084 (cited by Genomenon, Inc); PubMed 26867606 (cited by Genomenon, Inc); PubMed 26814021 (cited by Genomenon, Inc); PubMed 26380986 (cited by Genomenon, Inc); PubMed 15389709 (cited by Genomenon, Inc); PubMed 16222665 (cited by Genomenon, Inc); PubMed 7670477 (cited by 10 submitters); PubMed 8589686 (cited by 4 submitters); PubMed 8723101 (cited by Genomenon, Inc); PubMed 8702125 (cited by Genomenon, Inc); PubMed 9450868 (cited by Genomenon, Inc and OMIM); PubMed 9672519 (cited by Genomenon, Inc and OMIM); PubMed 9842995 (cited by Genomenon, Inc and OMIM); PubMed 9853502 (cited by Genomenon, Inc); PubMed 10215410 (cited by Genomenon, Inc); PubMed 10360392 (cited by Genomenon, Inc and OMIM); PubMed 10360393 (cited by Genomenon, Inc and OMIM); PubMed 10395236 (cited by Genomenon, Inc); PubMed 10564875 (cited by Genomenon, Inc); PubMed 10890199 (cited by Genomenon, Inc); PubMed 11754059 (cited by Genomenon, Inc); PubMed 12476453 (cited by Genomenon, Inc); PubMed 12784193 (cited by Genomenon, Inc); PubMed 12794698 (cited by Genomenon, Inc); PubMed 14755409 (cited by Genomenon, Inc); PubMed 16020314 (cited by Genomenon, Inc); PubMed 16222682 (cited by Genomenon, Inc); PubMed 16418051 (cited by Genomenon, Inc); PubMed 16575888 (cited by Genomenon, Inc); PubMed 16912704 (cited by Genomenon, Inc and Victorian Clinical Genetics Services, Murdoch Childrens Research Institute); PubMed 17621485 (cited by Genomenon, Inc); PubMed 19215249 (cited by Genomenon, Inc); PubMed 19622626 (cited by Genomenon, Inc); PubMed 21225389 (cited by Genomenon, Inc); PubMed 21910223 (cited by Genomenon, Inc); PubMed 22137367 (cited by Genomenon, Inc); PubMed 22888019 (cited by Genomenon, Inc); PubMed 22903874 (cited by Genomenon, Inc); PubMed 23165795 (cited by 4 submitters); PubMed 23649205 (cited by Genomenon, Inc); PubMed 24630288 (cited by Genomenon, Inc); PubMed 24715719 (cited by Genomenon, Inc and Ambry Genetics); PubMed 24839128 (cited by Genomenon, Inc); PubMed 25244068 (cited by Genomenon, Inc); PubMed 11071087 (cited by Genomenon, Inc); PubMed 18594408 (cited by Genomenon, Inc); PubMed 8880574 (cited by Genomenon, Inc); PubMed 25614871 (cited by 9 submitters); PubMed 25505835 (cited by Genomenon, Inc); PubMed 25505998 (cited by Genomenon, Inc); PubMed 23614116 (cited by Genomenon, Inc); PubMed 23149434 (cited by Genomenon, Inc and Variantyx, Inc.); PubMed 41367618 (cited by Genomenon, Inc); PubMed 34557487 (cited by Genomenon, Inc); PubMed 33726816 (cited by Genomenon, Inc); PubMed 9452043 (cited by 3 submitters); PubMed 11055896 (cited by 4 submitters); PubMed 10777366 (cited by 3billion and Ambry Genetics); PubMed 9857065 (cited by Ambry Genetics and Victorian Clinical Genetics Services, Murdoch Childrens Research Institute); PubMed 12707965 (cited by Ambry Genetics and Victorian Clinical Genetics Services, Murdoch Childrens Research Institute); PubMed 23045425 (cited by Ambry Genetics); PubMed 35438268 (cited by Ambry Genetics); PubMed 37814549 (cited by Ambry Genetics); PubMed 29620724 (cited by Women's Health and Genetics/Laboratory Corporation of America, LabCorp and Medical Genetics Center, Maternal and Child Health Hospital of Hubei Province); PubMed 17033969 (cited by Victorian Clinical Genetics Services, Murdoch Childrens Research Institute); PubMed 17320202 (cited by Victorian Clinical Genetics Services, Murdoch Childrens Research Institute); PubMed 24864036 (cited by Victorian Clinical Genetics Services, Murdoch Childrens Research Institute); PubMed 25679016 (cited by Victorian Clinical Genetics Services, Murdoch Childrens Research Institute); PubMed 26686047 (cited by Victorian Clinical Genetics Services, Murdoch Childrens Research Institute); PubMed 23573386 (cited by Dasa); PubMed 17526800 (cited by Dasa); PubMed 22628360 (cited by Dasa); PubMed 31130284 (cited by Medical Genetics Center, Maternal and Child Health Hospital of Hubei Province); PubMed 30355600 (cited by Medical Genetics Center, Maternal and Child Health Hospital of Hubei Province); PubMed 30138938 (cited by Medical Genetics Center, Maternal and Child Health Hospital of Hubei Province); PubMed 4697848 (cited by OMIM); NCBI Bookshelf NBK1477 (cited by GeneReviews).